The following is an entry in ClinVar:

ClinVar aggregate classification (germline): Uncertain significance (1 of 4 stars; one submission).

Conditions:
Dilated Cardiomyopathy, Dominant.

Submission:

Labcorp Genetics (formerly Invitae), Labcorp
Classification: Uncertain significance. Last evaluated: 2022-10-29. Review status: criteria provided, single submitter. Criteria: Invitae Variant Classification Sherloc (09022015). Collection method: clinical testing. Allele origin: unknown.
Comment: In summary, the available evidence is currently insufficient to determine the role of this variant in disease. Therefore, it has been classified as a Variant of Uncertain Significance. Experimental studies and prediction algorithms are not available or were not evaluated, and the functional significance of this variant is currently unknown. This variant has not been reported in the literature in individuals affected with LRRC10-related conditions. A gross deletion of the genomic region encompassing the full coding sequence of the LRRC10 gene has been identified. The current clinical and genetic evidence is not sufficient to establish whether loss-of-function variants in LRRC10 cause disease. The boundaries of this event are unknown as they extend beyond the assayed region for this gene and therefore may encompass additional genes.

NC_000012.11:g.(?_70003785)_(70004618_?)del

Gene: LRRC10 (leucine rich repeat containing 10; minus strand). Cytogenetic location: 12q15.
Variant type: Deletion.
Identifiers: ClinVar variation 3244349 (VCV003244349.1).